The following is an entry in ClinVar:

ClinVar aggregate classification (germline): Benign/Likely benign. Review status: criteria provided, multiple submitters, no conflicts (2 of 4 stars). 12 submissions from 12 submitters: Benign (8); Likely benign (2). 2 of the submissions do not count toward it. Last evaluated 2026-09-01.

Conditions:
Developmental and epileptic encephalopathy, 42 (DEE42A). Also called: Epileptic encephalopathy, early infantile, 42; EPILEPTIC ENCEPHALOPATHY, EARLY INFANTILE, 42A; DEVELOPMENTAL AND EPILEPTIC ENCEPHALOPATHY 42A. Identifiers: MedGen C4310716, MONDO:0014917, OMIM 617106.
Migraine, familial hemiplegic, 1. Also called: MIGRAINE, FAMILIAL HEMIPLEGIC 1, WITH PROGRESSIVE CEREBELLAR ATAXIA. Identifiers: Orphanet 569, MedGen C1832884, MONDO:0020756, OMIM 141500, MONDO:0007714.
Spinocerebellar ataxia type 6 (SCA6). Identifiers: Orphanet 98758, MedGen C0752124, MONDO:0008457, OMIM 183086.
Episodic ataxia type 2 (EA2). Also called: ATAXIA, EPISODIC, WITH NYSTAGMUS; ATAXIA, FAMILIAL PAROXYSMAL; CEREBELLAR ATAXIA, PAROXYSMAL, ACETAZOLAMIDE-RESPONSIVE; ACETAZOLAMIDE-RESPONSIVE HEREDITARY PAROXYSMAL CEREBELLAR ATAXIA; CEREBELLOPATHY, HEREDITARY PAROXYSMAL; EPISODIC ATAXIA, NYSTAGMUS-ASSOCIATED. Identifiers: Orphanet 97, MedGen C1720416, MONDO:0007163, OMIM 108500.
Inborn genetic diseases. Identifiers: MedGen C0950123, MeSH D030342.

Allele frequency attached by ClinVar (database versions not stated): ESP Exome Variant Server 0.00056; TOPMed 0.00108; gnomAD 0.00114 and 0.00131; 1000 Genomes Project 30x 0.00125; 1000 Genomes Project 0.00160; gnomAD exomes 0.00163 and 0.00262; ExAC 0.00273.
gnomAD v4.1: 2,630 of 1,611,940 alleles (0.16%); highest among the groups gnomAD compares: South Asian, 0.97%; 21 homozygotes.

Submissions (12):

CeGaT Center for Human Genetics Tuebingen
Classification: Benign. Last evaluated: 2026-09-01. Review status: criteria provided, single submitter. Criteria: CeGaT Center For Human Genetics Tuebingen Variant Classification Criteria Version 2. Collection method: clinical testing. Allele origin: germline. Affected: yes. Observed: 46 variant alleles.
Comment: CACNA1A: BP4, BP7, BS1, BS2

Labcorp Genetics (formerly Invitae), Labcorp
Classification: Benign for Developmental and epileptic encephalopathy, 42; Episodic ataxia type 2. Last evaluated: 2026-02-03. Review status: criteria provided, single submitter. Criteria: Invitae Variant Classification Sherloc (09022015). Collection method: clinical testing. Allele origin: germline.

Blueprint Genetics
Classification: Likely benign. Last evaluated: 2024-11-27. Review status: criteria provided, single submitter. Criteria: ACMG Guidelines, 2015. Collection method: clinical testing. Allele origin: germline.

Fulgent Genetics
Classification: Likely benign for Episodic ataxia type 2; Migraine, familial hemiplegic, 1; Spinocerebellar ataxia type 6; Developmental and epileptic encephalopathy, 42. Last evaluated: 2022-03-04. Review status: criteria provided, single submitter. Criteria: ACMG Guidelines, 2015. Collection method: clinical testing. Allele origin: unknown.

Athena Diagnostics
Classification: Benign. Last evaluated: 2019-03-31. Review status: criteria provided, single submitter. Criteria: Athena Diagnostics Criteria. Collection method: clinical testing. Allele origin: germline.

Eurofins Ntd Llc (ga)
Classification: Benign. Last evaluated: 2017-05-12. Review status: criteria provided, single submitter. Criteria: EGL Classification Definitions 2015. Collection method: clinical testing. Allele origin: germline. Observed: 1 variant allele, 1 heterozygote.

GeneDx
Classification: Benign. Last evaluated: 2016-08-02. Review status: criteria provided, single submitter. Criteria: GeneDx Variant Classification (06012015). Collection method: clinical testing. Allele origin: germline. Affected: yes.
Comment: This variant is considered likely benign or benign based on one or more of the following criteria: it is a conservative change, it occurs at a poorly conserved position in the protein, it is predicted to be benign by multiple in silico algorithms, and/or has population frequency not consistent with disease.

Ambry Genetics
Classification: Benign for Inborn genetic diseases. Last evaluated: 2016-03-23. Review status: criteria provided, single submitter. Criteria: Ambry Variant Classification Scheme 2023. Collection method: clinical testing. Allele origin: germline.

Breakthrough Genomics
Classification: Benign. Review status: criteria provided, single submitter. Criteria: ACMG Guidelines, 2015. Collection method: not provided. Allele origin: germline. Inheritance: Autosomal dominant inheritance. Affected: yes.

PreventionGenetics, part of Exact Sciences
Classification: Benign. Review status: criteria provided, single submitter. Criteria: ACMG Guidelines, 2015. Collection method: clinical testing. Allele origin: germline.

Clinical Genetics DNA and cytogenetics Diagnostics Lab, Erasmus MC, Erasmus Medical Center
Classification: Likely benign. Review status: no assertion criteria provided. Collection method: clinical testing. Allele origin: germline. Affected: yes. Study: VKGL Data-share Consensus. Not counted in ClinVar's aggregate classification.

Genome Diagnostics Laboratory, University Medical Center Utrecht
Classification: Likely benign. Review status: no assertion criteria provided. Collection method: clinical testing. Allele origin: germline. Affected: yes. Study: VKGL Data-share Consensus. Not counted in ClinVar's aggregate classification.

NM_001127222.2(CACNA1A):c.1518T>C (p.Val506=)

Gene: CACNA1A (calcium voltage-gated channel subunit alpha1 A; minus strand). Cytogenetic location: 19p13.13.
Variant type: single nucleotide variant.
Coding change: c.1518T>C on transcript NM_001127222.2 (MANE Select); coding-DNA position 1518, T replaced by C.
Protein change: p.Val506=; no amino-acid change (valine 506 retained).
Molecular consequence: synonymous variant.
Genome position (GRCh38, 1-based): chr19:13,317,149, A>G on the plus strand (T>C on the coding strand, the complement: CACNA1A is on the minus strand). VCF-style: chr19-13317149-A-G. GRCh37 (hg19) VCF-style: chr19-13427963-A-G.
Other names: c.1521T>C, p.Val507= (NM_000068.4, NM_001127221.2, NM_001174080.2 and 1 more transcripts).
Identifiers: ClinVar variation 257508 (VCV000257508.56), dbSNP rs16009, ClinGen allele CA9240797.